The following is an entry in ClinVar:

NM_012210.4(TRIM32):c.1696A>G (p.Ser566Gly)

Genes: ASTN2 (astrotactin 2; minus strand), TRIM32 (tripartite motif containing 32; plus strand). Cytogenetic location: 9q33.1.
Variant type: single nucleotide variant.
Coding change: c.1696A>G on transcript NM_012210.4 (MANE Select); coding-DNA position 1696, A replaced by G.
Protein change: p.Ser566Gly; replaces serine 566 with glycine.
Molecular consequence: missense variant. On other transcripts: intron variant (3).
Genome position (GRCh38, 1-based): chr9:116,699,438, A>G. VCF-style: chr9-116699438-A-G. GRCh37 (hg19) VCF-style: chr9-119461717-A-G.
Other names: c.1696A>G, p.Ser566Gly (NM_001379049.1, NM_001379050.1, NM_001099679.2 and 1 more transcripts); c.2653+26333T>C (NM_014010.5); c.2794+26333T>C (NM_001365069.1); c.2806+26333T>C (NM_001365068.1); short protein forms S566G.
Identifiers: ClinVar variation 1361411 (VCV001361411.6), dbSNP rs779755416, ClinGen allele CA198771280.

ClinVar aggregate classification (germline): Uncertain significance. Review status: criteria provided, multiple submitters, no conflicts (2 of 4 stars). 2 submissions from 2 submitters: Uncertain significance (2). Last evaluated 2024-04-12.

Conditions:
Bardet-Biedl syndrome 11 (BBS11). Identifiers: Orphanet 110, MedGen C1859569, MONDO:0014439, OMIM 615988.
Sarcotubular myopathy (LGMDR8). Also called: Limb-girdle muscular dystrophy, type 2H; Autosomal recessive limb-girdle muscular dystrophy type 2H; MUSCULAR DYSTROPHY, LIMB-GIRDLE, AUTOSOMAL RECESSIVE 8; Hutterite type of muscular dystrophy. Identifiers: Orphanet 1878, MedGen C0270968, MONDO:0009683, OMIM 254110.
Bardet-Biedl syndrome (BBS). Identifiers: Orphanet 110, MedGen C0752166, MONDO:0015229.

Allele frequency attached by ClinVar (database versions not stated): gnomAD exomes below 0.00001.
gnomAD v4.1: 7 of 1,614,144 alleles (0.00043%); highest among the groups gnomAD compares: Non-Finnish European, 0.00059%; no homozygotes.

Submissions (2):

Fulgent Genetics
Classification: Uncertain significance for Sarcotubular myopathy; Bardet-Biedl syndrome 11. Last evaluated: 2024-04-12. Review status: criteria provided, single submitter. Criteria: ACMG Guidelines, 2015. Collection method: clinical testing. Allele origin: germline.

Labcorp Genetics (formerly Invitae), Labcorp
Classification: Uncertain significance for Bardet-Biedl syndrome. Last evaluated: 2022-03-07. Review status: criteria provided, single submitter. Criteria: Invitae Variant Classification Sherloc (09022015). Collection method: clinical testing. Allele origin: germline.
Comment: This sequence change replaces serine, which is neutral and polar, with glycine, which is neutral and non-polar, at codon 566 of the TRIM32 protein (p.Ser566Gly). This variant is not present in population databases (gnomAD no frequency). This variant has not been reported in the literature in individuals affected with TRIM32-related conditions. Algorithms developed to predict the effect of missense changes on protein structure and function (SIFT, PolyPhen-2, Align-GVGD) all suggest that this variant is likely to be disruptive. In summary, the available evidence is currently insufficient to determine the role of this variant in disease. Therefore, it has been classified as a Variant of Uncertain Significance.